The following is an entry in ClinVar:

NM_006440.5(TXNRD2):c.374+87C>A

Gene: TXNRD2 (thioredoxin reductase 2; minus strand). Cytogenetic location: 22q11.21.
Variant type: single nucleotide variant.
Coding change: c.374+87C>A on transcript NM_006440.5 (MANE Select); 87 bases into the intron after coding-DNA position 374, C replaced by A.
Molecular consequence: intron variant.
Genome position (GRCh38, 1-based): chr22:19,918,773, G>T on the plus strand (C>A on the coding strand, the complement: TXNRD2 is on the minus strand). VCF-style: chr22-19918773-G-T. GRCh37 (hg19) VCF-style: chr22-19906296-G-T.
Other names: c.371+87C>A (NM_001352300.2); c.86+87C>A (NM_001352302.2); c.284+87C>A (NM_001352301.2); c.374+87C>A (NM_001282512.3); c.278+87C>A (NM_001352303.2).
Identifiers: ClinVar variation 679808 (VCV000679808.2), dbSNP rs138368791, ClinGen allele CA322105566.

ClinVar aggregate classification (germline): Likely benign. Review status: criteria provided, multiple submitters, no conflicts (2 of 4 stars). 2 submissions from 2 submitters: Likely benign (2). Last evaluated 2018-06-14.

Allele frequency attached by ClinVar (database versions not stated): gnomAD exomes 0.00035; gnomAD 0.00387 and 0.00404; TOPMed 0.00459; 1000 Genomes Project 30x 0.00547; 1000 Genomes Project 0.00579.

Submissions (2):

GeneDx
Classification: Likely benign. Last evaluated: 2018-06-14. Review status: criteria provided, single submitter. Criteria: GeneDx Variant Classification (06012015). Collection method: clinical testing. Allele origin: germline. Affected: yes.
Comment: This variant is considered likely benign or benign based on one or more of the following criteria: it is a conservative change, it occurs at a poorly conserved position in the protein, it is predicted to be benign by multiple in silico algorithms, and/or has population frequency not consistent with disease.

Breakthrough Genomics
Classification: Likely benign. Review status: criteria provided, single submitter. Criteria: ACMG Guidelines, 2015. Collection method: not provided. Allele origin: germline. Inheritance: Autosomal recessive inheritance. Affected: yes.